The following is an entry in ClinVar:

ClinVar aggregate classification (germline): Uncertain significance. Review status: criteria provided, multiple submitters, no conflicts (2 of 4 stars). 2 submissions from 2 submitters: Uncertain significance (2). Last evaluated 2025-09-22.

Conditions:
Inborn genetic diseases. Identifiers: MedGen C0950123, MeSH D030342.
Charcot-Marie-Tooth disease type 4. Also called: Charcot-Marie-Tooth disease, type IV; Charcot-Marie-Tooth, Type 4. Identifiers: Orphanet 64749, MedGen C4082197, MONDO:0018995.

Allele frequency attached by ClinVar (database versions not stated): ExAC 0.00001.
gnomAD v4.1: 17 of 1,613,976 alleles (0.0011%); highest among the groups gnomAD compares: Non-Finnish European, 0.0014%; no homozygotes.

Submissions (2):

Ambry Genetics
Classification: Uncertain significance for Inborn genetic diseases. Last evaluated: 2025-09-22. Review status: criteria provided, single submitter. Criteria: Ambry Variant Classification Scheme 2023. Collection method: clinical testing. Allele origin: germline.

Labcorp Genetics (formerly Invitae), Labcorp
Classification: Uncertain significance for Charcot-Marie-Tooth disease type 4. Last evaluated: 2023-07-19. Review status: criteria provided, single submitter. Criteria: Invitae Variant Classification Sherloc (09022015). Collection method: clinical testing. Allele origin: germline.
Comment: In summary, the available evidence is currently insufficient to determine the role of this variant in disease. Therefore, it has been classified as a Variant of Uncertain Significance. Advanced modeling of protein sequence and biophysical properties (such as structural, functional, and spatial information, amino acid conservation, physicochemical variation, residue mobility, and thermodynamic stability) performed at Invitae indicates that this missense variant is not expected to disrupt SBF2 protein function. ClinVar contains an entry for this variant (Variation ID: 476918). This variant has not been reported in the literature in individuals affected with SBF2-related conditions. This variant is present in population databases (rs745669920, gnomAD 0.002%). This sequence change replaces tyrosine, which is neutral and polar, with phenylalanine, which is neutral and non-polar, at codon 86 of the SBF2 protein (p.Tyr86Phe).

NM_030962.4(SBF2):c.257A>T (p.Tyr86Phe)

Gene: SBF2 (SET binding factor 2; minus strand). Cytogenetic location: 11p15.4.
Variant type: single nucleotide variant.
Coding change: c.257A>T on transcript NM_030962.4 (MANE Select); coding-DNA position 257, A replaced by T.
Protein change: p.Tyr86Phe; replaces tyrosine 86 with phenylalanine.
Molecular consequence: missense variant.
Genome position (GRCh38, 1-based): chr11:10,042,866, T>A on the plus strand (A>T on the coding strand, the complement: SBF2 is on the minus strand). VCF-style: chr11-10042866-T-A. GRCh37 (hg19) VCF-style: chr11-10064413-T-A.
Other names: c.257A>T, p.Tyr86Phe (NM_001386339.1, NM_001386342.1); short protein forms Y86F.
Identifiers: ClinVar variation 476918 (VCV000476918.12), dbSNP rs745669920, ClinGen allele CA5882181.